The following is an entry in ClinVar:

ClinVar aggregate classification (germline): Conflicting classifications of pathogenicity. Review status: criteria provided, conflicting classifications (1 of 4 stars). 11 submissions from 10 submitters: Uncertain significance (2); Benign (6); Likely benign (2). 1 of the submissions does not count toward it. Last evaluated 2026-01-28.

Conditions:
Inborn genetic diseases. Identifiers: MedGen C0950123, MeSH D030342.
Autosomal dominant centronuclear myopathy. Also called: MYOTUBULAR MYOPATHY, AUTOSOMAL DOMINANT; Myopathy, centronuclear, 3. Identifiers: Orphanet 169189, MedGen C4551952, MeSH D020914, MONDO:0008048, OMIM 160150.
Charcot-Marie-Tooth disease dominant intermediate B (CMTDIB). Also called: CHARCOT-MARIE-TOOTH NEUROPATHY, DOMINANT INTERMEDIATE B; Charcot-Marie-Tooth disease dominant intermediate 1; CMT DI1; Charcot-Marie-Tooth disease dominant intermediate I. Identifiers: Orphanet 100044, Orphanet 228179, MedGen C1847902, MONDO:0011674, OMIM 606482.
Peripheral neuropathy. Also called: Neuropathy. Identifiers: MedGen C0031117, MONDO:0005244, HP:0009830.

Allele frequency attached by ClinVar (database versions not stated): gnomAD exomes 0.00066; ExAC 0.00074; 1000 Genomes Project 30x 0.00219; 1000 Genomes Project 0.00220; gnomAD 0.00225 and 0.00243; TOPMed 0.00247; ESP Exome Variant Server 0.00261.
gnomAD v4.1: 742 of 1,614,102 alleles (0.046%); highest among the groups gnomAD compares: African/African-American, 0.82%; 6 homozygotes.

Submissions (11):

Labcorp Genetics (formerly Invitae), Labcorp
Classification: Benign for Charcot-Marie-Tooth disease dominant intermediate B. Last evaluated: 2026-01-28. Review status: criteria provided, single submitter. Criteria: Invitae Variant Classification Sherloc (09022015). Collection method: clinical testing. Allele origin: germline.

Mayo Clinic Laboratories, Mayo Clinic
Classification: Benign. Last evaluated: 2023-02-09. Review status: criteria provided, single submitter. Criteria: ACMG Guidelines, 2015. Collection method: clinical testing. Allele origin: germline. Observed: 6 variant alleles.
Comment: BS1, BS2

Athena Diagnostics
Classification: Benign. Last evaluated: 2021-02-05. Review status: criteria provided, single submitter. Criteria: Athena Diagnostics criteria. Collection method: clinical testing. Allele origin: unknown.

Ambry Genetics
Classification: Likely benign for Inborn genetic diseases. Last evaluated: 2019-11-11. Review status: criteria provided, single submitter. Criteria: Ambry Variant Classification Scheme 2023. Collection method: clinical testing. Allele origin: germline.

Illumina Laboratory Services, Illumina
Classification: Benign for Autosomal dominant centronuclear myopathy. Last evaluated: 2018-01-13. Review status: criteria provided, single submitter. Criteria: ICSL Variant Classification Criteria 13 December 2019. Collection method: clinical testing. Allele origin: germline.
Comment: This variant was observed in the ICSL laboratory as part of a predisposition screen in an ostensibly healthy population. It had not been previously curated by ICSL or reported in the Human Gene Mutation Database (HGMD: prior to June 1st, 2018), and was therefore a candidate for classification through an automated scoring system. Utilizing variant allele frequency, disease prevalence and penetrance estimates, and inheritance mode, an automated score was calculated to assess if this variant is too frequent to cause the disease. Based on the score and internal cut-off values, a variant classified as benign is not then subjected to further curation. The score for this variant resulted in a classification of benign for this disease.

Illumina Laboratory Services, Illumina
Classification: Benign for Charcot-Marie-Tooth disease dominant intermediate B. Last evaluated: 2018-01-13. Review status: criteria provided, single submitter. Criteria: ICSL Variant Classification Criteria 13 December 2019. Collection method: clinical testing. Allele origin: germline.
Comment: the same text as in the submission from Illumina Laboratory Services, Illumina above.

GeneDx
Classification: Benign. Last evaluated: 2017-03-02. Review status: criteria provided, single submitter. Criteria: GeneDx Variant Classification (06012015). Collection method: clinical testing. Allele origin: germline. Affected: yes.
Comment: This variant is considered likely benign or benign based on one or more of the following criteria: it is a conservative change, it occurs at a poorly conserved position in the protein, it is predicted to be benign by multiple in silico algorithms, and/or has population frequency not consistent with disease.

Center for Genetic Medicine Research, Children's National Medical Center
Classification: Uncertain significance. Last evaluated: 2015-12-01. Review status: criteria provided, single submitter. Criteria: Punetha et al. (J Neuromuscul Dis. 2016). Collection method: research. Allele origin: unknown. Observed: 2 variant alleles.

Eurofins Ntd Llc (ga)
Classification: Likely benign. Last evaluated: 2014-12-16. Review status: criteria provided, single submitter. Criteria: EGL Classification Definitions 2015. Collection method: clinical testing. Allele origin: germline. Observed: 1 variant allele, 1 heterozygote.

Genetic Services Laboratory, University of Chicago
Classification: Uncertain significance for peripheral neuropathy. Last evaluated: 2013-02-08. Review status: criteria provided, single submitter. Criteria: ACMG Guidelines, 2007. Collection method: clinical testing. Allele origin: germline. Inheritance: Autosomal dominant inheritance.

ITMI
No classification provided. Condition: AllHighlyPenetrant. Last evaluated: 2013-09-19. Review status: no classification provided. Collection method: reference population. Allele origin: germline. Not counted in ClinVar's aggregate classification.
Comment: Please see associated publication for description of ethnicities

Literature cited by the submitters: PubMed 27854218 (cited by Athena Diagnostics); PubMed 24728327 (cited by Athena Diagnostics and ITMI).

NM_001005361.3(DNM2):c.190G>A (p.Val64Ile)

Gene: DNM2 (dynamin 2; plus strand). Cytogenetic location: 19p13.2.
Variant type: single nucleotide variant.
Coding change: c.190G>A on transcript NM_001005361.3 (MANE Select); coding-DNA position 190, G replaced by A.
Protein change: p.Val64Ile; replaces valine 64 with isoleucine.
Molecular consequence: missense variant.
Genome position (GRCh38, 1-based): chr19:10,759,766, G>A. VCF-style: chr19-10759766-G-A. GRCh37 (hg19) VCF-style: chr19-10870442-G-A.
Other names: c.190G>A, p.Val64Ile (NM_001005362.3, NM_001190716.2, NM_004945.4 and 1 more transcripts); short protein forms V64I.
Identifiers: ClinVar variation 133978 (VCV000133978.30), dbSNP rs144250390, ClinGen allele CA158294.